The following is an entry in ClinVar:

ClinVar aggregate classification (germline): Uncertain significance. Review status: criteria provided, multiple submitters, no conflicts (2 of 4 stars). 2 submissions from 2 submitters: Uncertain significance (2). Last evaluated 2022-05-15.

Conditions:
3-methylglutaconic aciduria type 8. Also called: 3-methylglutaconic aciduria, type VIII. Identifiers: Orphanet 505208, MedGen C4310650, MONDO:0044723, OMIM 617248.

gnomAD v4.1: 3 of 1,612,138 alleles (0.00019%); highest among the groups gnomAD compares: Non-Finnish European, 0.00025%; no homozygotes.

Submissions (2):

Labcorp Genetics (formerly Invitae), Labcorp
Classification: Uncertain significance. Last evaluated: 2022-05-15. Review status: criteria provided, single submitter. Criteria: Invitae Variant Classification Sherloc (09022015). Collection method: clinical testing. Allele origin: germline.
Comment: This variant is not present in population databases (gnomAD no frequency). In summary, the available evidence is currently insufficient to determine the role of this variant in disease. Therefore, it has been classified as a Variant of Uncertain Significance. Algorithms developed to predict the effect of missense changes on protein structure and function are either unavailable or do not agree on the potential impact of this missense change (SIFT: "Tolerated"; PolyPhen-2: "Possibly Damaging"; Align-GVGD: "Class C0"). ClinVar contains an entry for this variant (Variation ID: 1027794). This variant has not been reported in the literature in individuals affected with HTRA2-related conditions. This sequence change replaces arginine, which is basic and polar, with proline, which is neutral and non-polar, at codon 49 of the HTRA2 protein (p.Arg49Pro).

Baylor Genetics
Classification: Uncertain significance for 3-methylglutaconic aciduria type 8. Last evaluated: 2019-07-09. Review status: criteria provided, single submitter. Criteria: ACMG Guidelines, 2015. Collection method: clinical testing. Allele origin: unknown. Affected: yes.
Comment: This variant was determined to be of uncertain significance according to ACMG Guidelines, 2015 [PMID:25741868].

NM_013247.5(HTRA2):c.146G>C (p.Arg49Pro)

Gene: HTRA2 (HtrA serine peptidase 2; plus strand). Cytogenetic location: 2p13.1.
Variant type: single nucleotide variant.
Coding change: c.146G>C on transcript NM_013247.5 (MANE Select); coding-DNA position 146, G replaced by C.
Protein change: p.Arg49Pro; replaces arginine 49 with proline.
Molecular consequence: missense variant. On other transcripts: non-coding transcript variant (1).
Genome position (GRCh38, 1-based): chr2:74,530,152, G>C. VCF-style: chr2-74530152-G-C. GRCh37 (hg19) VCF-style: chr2-74757279-G-C.
Other names: c.146G>C, p.Arg49Pro (NM_001321727.1, NM_001321728.1, NM_145074.2); short protein forms R49P.
Identifiers: ClinVar variation 1027794 (VCV001027794.5), dbSNP rs1675478353, ClinGen allele CA347375935.